The following is an entry in ClinVar:

ClinVar aggregate classification (germline): Uncertain significance (1 of 4 stars; one submission).

Allele frequency attached by ClinVar (database versions not stated): TOPMed below 0.00001.
gnomAD v4.1: 3 of 1,611,554 alleles (0.00019%); highest among the groups gnomAD compares: Non-Finnish European, 0.00025%; no homozygotes.

Submission:

Labcorp Genetics (formerly Invitae), Labcorp
Classification: Uncertain significance. Last evaluated: 2021-07-04. Review status: criteria provided, single submitter. Criteria: Invitae Variant Classification Sherloc (09022015). Collection method: clinical testing. Allele origin: germline.
Comment: This sequence change replaces threonine with isoleucine at codon 1337 of the ABCC6 protein (p.Thr1337Ile). The threonine residue is weakly conserved and there is a moderate physicochemical difference between threonine and isoleucine. This variant is not present in population databases (ExAC no frequency). This variant has not been reported in the literature in individuals affected with ABCC6-related conditions. Advanced modeling of protein sequence and biophysical properties (such as structural, functional, and spatial information, amino acid conservation, physicochemical variation, residue mobility, and thermodynamic stability) performed at Invitae indicates that this missense variant is not expected to disrupt ABCC6 protein function. In summary, the available evidence is currently insufficient to determine the role of this variant in disease. Therefore, it has been classified as a Variant of Uncertain Significance.

NM_001171.6(ABCC6):c.4010C>T (p.Thr1337Ile)

Gene: ABCC6 (ATP binding cassette subfamily C member 6; minus strand). Cytogenetic location: 16p13.11.
Variant type: single nucleotide variant.
Coding change: c.4010C>T on transcript NM_001171.6 (MANE Select); coding-DNA position 4010, C replaced by T.
Protein change: p.Thr1337Ile; replaces threonine 1337 with isoleucine.
Molecular consequence: missense variant. On other transcripts: non-coding transcript variant (1).
Genome position (GRCh38, 1-based): chr16:16,154,904, G>A on the plus strand (C>T on the coding strand, the complement: ABCC6 is on the minus strand). VCF-style: chr16-16154904-G-A. GRCh37 (hg19) VCF-style: chr16-16248761-G-A.
Other names: c.3668C>T, p.Thr1223Ile (NM_001351800.1); short protein forms T1223I, T1337I.
Identifiers: ClinVar variation 1503476 (VCV001503476.8), dbSNP rs780504422, ClinGen allele CA394875516.